The following is an entry in ClinVar:

ClinVar aggregate classification (germline): Likely pathogenic (1 of 4 stars; one submission).

Conditions:
Osteogenesis imperfecta type III (OI3). Also called: Osteogenesis imperfecta type 3; OI type 3; Osteogenesis imperfecta, progressively deforming with normal sclerae; OI type III; Progressively Deforming Osteogenesis Imperfecta. Identifiers: Orphanet 216812, Orphanet 666, MedGen C0268362, MONDO:0009804, OMIM 259420.

Submission:

3billion
Classification: Likely pathogenic for Osteogenesis imperfecta type III. Last evaluated: 2022-01-03. Review status: criteria provided, single submitter. Criteria: ACMG Guidelines, 2015. Collection method: clinical testing. Allele origin: germline. Affected: yes. Observed: 1 heterozygote.
Comment: The variant is located in a well-established functional domain or exonic hotspot, where pathogenic variants have frequently reported (PM1_M). In silico tool predictions suggest damaging effect of the variant on gene or gene product (REVEL: 0.99, 3CNET: 0.992, PP3_P). A missense variant is a common mechanism associated with Osteogenesis imperfecta (PP2_P). It is not observed in the gnomAD v2.1.1 dataset (PM2_M). Therefore, this variant is classified as likely pathogenic according to the recommendation of ACMG/AMP guideline.

NM_000089.4(COL1A2):c.2161G>T (p.Gly721Cys)

Gene: COL1A2 (collagen type I alpha 2 chain; plus strand). Cytogenetic location: 7q21.3.
Variant type: single nucleotide variant.
Coding change: c.2161G>T on transcript NM_000089.4 (MANE Select); coding-DNA position 2161, G replaced by T.
Protein change: p.Gly721Cys; replaces glycine 721 with cysteine.
Molecular consequence: missense variant.
Genome position (GRCh38, 1-based): chr7:94,420,418, G>T. VCF-style: chr7-94420418-G-T. GRCh37 (hg19) VCF-style: chr7-94049730-G-T.
Other names: short protein forms G721C.
Identifiers: ClinVar variation 1333655 (VCV001333655.1), dbSNP rs72658169, ClinGen allele CA368223370.